The following is an entry in ClinVar:

NM_002692.4(POLE2):c.443C>T (p.Thr148Ile)

Gene: POLE2 (DNA polymerase epsilon 2, accessory subunit; minus strand). Cytogenetic location: 14q21.3.
Variant type: single nucleotide variant.
Coding change: c.443C>T on transcript NM_002692.4 (MANE Select); coding-DNA position 443, C replaced by T.
Protein change: p.Thr148Ile; replaces threonine 148 with isoleucine.
Molecular consequence: missense variant.
Genome position (GRCh38, 1-based): chr14:49,669,573, G>A on the plus strand (C>T on the coding strand, the complement: POLE2 is on the minus strand). VCF-style: chr14-49669573-G-A. GRCh37 (hg19) VCF-style: chr14-50136291-G-A.
Other names: c.365C>T, p.Thr122Ile (NM_001197330.2); c.443C>T, p.Thr148Ile (NM_001197331.3, NM_001348384.2); c.212C>T, p.Thr71Ile (NM_001348385.2); short protein forms T122I, T71I, T148I.
Identifiers: ClinVar variation 3004099 (VCV003004099.3), dbSNP rs1457730758, ClinGen allele CA389609343.

ClinVar aggregate classification (germline): Uncertain significance (1 of 4 stars; one submission).

Allele frequency attached by ClinVar (database versions not stated): gnomAD 0.00001.

Submission:

Labcorp Genetics (formerly Invitae), Labcorp
Classification: Uncertain significance. Last evaluated: 2023-10-26. Review status: criteria provided, single submitter. Criteria: Invitae Variant Classification Sherloc (09022015). Collection method: clinical testing. Allele origin: germline.
Comment: This sequence change replaces threonine, which is neutral and polar, with isoleucine, which is neutral and non-polar, at codon 148 of the POLE2 protein (p.Thr148Ile). This variant is present in population databases (no rsID available, gnomAD 0.1%). This variant has not been reported in the literature in individuals affected with POLE2-related conditions. An algorithm developed to predict the effect of missense changes on protein structure and function (PolyPhen-2) suggests that this variant is likely to be disruptive. In summary, the available evidence is currently insufficient to determine the role of this variant in disease. Therefore, it has been classified as a Variant of Uncertain Significance.